The following is an entry in ClinVar:

NM_000455.5(STK11):c.838C>G (p.Pro280Ala)

Gene: STK11 (serine/threonine kinase 11; plus strand). Cytogenetic location: 19p13.3.
Variant type: single nucleotide variant.
Coding change: c.838C>G on transcript NM_000455.5 (MANE Select); coding-DNA position 838, C replaced by G.
Protein change: p.Pro280Ala; replaces proline 280 with alanine.
Molecular consequence: missense variant.
Genome position (GRCh38, 1-based): chr19:1,221,316, C>G. VCF-style: chr19-1221316-C-G. GRCh37 (hg19) VCF-style: chr19-1221315-C-G.
Other names: short protein forms P280A.
Identifiers: ClinVar variation 458066 (VCV000458066.16), dbSNP rs1555738708, ClinGen allele CA402950697.

ClinVar aggregate classification (germline): Uncertain significance. Review status: criteria provided, multiple submitters, no conflicts (2 of 4 stars). 3 submissions from 3 submitters: Uncertain significance (3). Last evaluated 2023-12-05.

Conditions:
Hereditary cancer-predisposing syndrome. Also called: Hereditary Cancer Syndrome; Hereditary neoplastic syndrome; Tumor predisposition; Neoplastic Syndromes, Hereditary. Identifiers: Orphanet 140162, MedGen C0027672, MeSH D009386, MONDO:0015356.
Peutz-Jeghers syndrome (PJS). Also called: POLYPOSIS, HAMARTOMATOUS INTESTINAL; POLYPS-AND-SPOTS SYNDROME; Peutz-Jeghers polyposis; Periorificial lentiginosis syndrome. Identifiers: Orphanet 2869, MedGen C0031269, MeSH D010580, MONDO:0008280, OMIM 175200.

Submissions (3):

Color Diagnostics, LLC DBA Color Health
Classification: Uncertain significance for Hereditary cancer-predisposing syndrome. Last evaluated: 2023-12-05. Review status: criteria provided, single submitter. Criteria: ACMG Guidelines, 2015. Collection method: clinical testing. Allele origin: germline.
Comment: This missense variant replaces proline with alanine at codon 280 of the STK11 protein. Computational prediction suggests that this variant may not impact protein structure and function (internally defined REVEL score threshold <= 0.5, PMID: 27666373). To our knowledge, functional studies have not been reported for this variant. This variant has not been reported in individuals affected with STK11-related disorders in the literature. This variant has not been identified in the general population by the Genome Aggregation Database (gnomAD). The available evidence is insufficient to determine the role of this variant in disease conclusively. Therefore, this variant is classified as a Variant of Uncertain Significance.

Genome-Nilou Lab
Classification: Uncertain significance for Peutz-Jeghers syndrome. Last evaluated: 2021-07-15. Review status: criteria provided, single submitter. Criteria: ACMG Guidelines, 2015. Collection method: clinical testing. Allele origin: germline. Affected: no.

Labcorp Genetics (formerly Invitae), Labcorp
Classification: Uncertain significance for Peutz-Jeghers syndrome. Last evaluated: 2017-06-25. Review status: criteria provided, single submitter. Criteria: Invitae Variant Classification Sherloc (09022015). Collection method: clinical testing. Allele origin: germline.
Comment: This variant has not been reported in the literature in individuals with STK11-related disease. In summary, the available evidence is currently insufficient to determine the role of this variant in disease. Therefore, it has been classified as a Variant of Uncertain Significance. Algorithms developed to predict the effect of missense changes on protein structure and function (SIFT, PolyPhen-2, Align-GVGD) all suggest that this variant is likely to be tolerated, but these predictions have not been confirmed by published functional studies and their clinical significance is uncertain. This variant is not present in population databases (ExAC no frequency). This sequence change replaces proline with alanine at codon 280 of the STK11 protein (p.Pro280Ala). The proline residue is highly conserved and there is a small physicochemical difference between proline and alanine.